The following is an entry in ClinVar:

ClinVar aggregate classification (germline): Uncertain significance. Review status: criteria provided, multiple submitters, no conflicts (2 of 4 stars). 2 submissions from 2 submitters: Uncertain significance (2). Last evaluated 2025-09-04.

Allele frequency attached by ClinVar (database versions not stated): gnomAD exomes below 0.00001; gnomAD 0.00001; TOPMed 0.00002.
gnomAD v4.1: 8 of 1,613,896 alleles (0.0005%); highest among the groups gnomAD compares: African/African-American, 0.0013%; no homozygotes.

Submissions (2):

Labcorp Genetics (formerly Invitae), Labcorp
Classification: Uncertain significance. Last evaluated: 2025-09-04. Review status: criteria provided, single submitter. Criteria: Invitae Variant Classification Sherloc (09022015). Collection method: clinical testing. Allele origin: germline.
Comment: This sequence change replaces histidine, which is basic and polar, with arginine, which is basic and polar, at codon 1755 of the DCHS1 protein (p.His1755Arg). This variant is present in population databases (no rsID available, gnomAD 0.01%). This variant has not been reported in the literature in individuals affected with DCHS1-related conditions. ClinVar contains an entry for this variant (Variation ID: 1310985). Invitae Evidence Modeling of protein sequence and biophysical properties (such as structural, functional, and spatial information, amino acid conservation, physicochemical variation, residue mobility, and thermodynamic stability) indicates that this missense variant is not expected to disrupt DCHS1 protein function with a negative predictive value of 80%. In summary, the available evidence is currently insufficient to determine the role of this variant in disease. Therefore, it has been classified as a Variant of Uncertain Significance.

GeneDx
Classification: Uncertain significance. Last evaluated: 2019-12-04. Review status: criteria provided, single submitter. Criteria: GeneDx Variant Classification Process June 2021. Collection method: clinical testing. Allele origin: germline. Affected: yes.
Comment: Not observed at a significant frequency in large population cohorts (Lek et al., 2016); In silico analysis, which includes protein predictors and evolutionary conservation, supports a deleterious effect; Has not been previously published as pathogenic or benign to our knowledge

NM_003737.4(DCHS1):c.5264A>G (p.His1755Arg)

Gene: DCHS1 (dachsous cadherin-related 1; minus strand). Cytogenetic location: 11p15.4.
Variant type: single nucleotide variant.
Coding change: c.5264A>G on transcript NM_003737.4 (MANE Select); coding-DNA position 5264, A replaced by G.
Protein change: p.His1755Arg; replaces histidine 1755 with arginine.
Molecular consequence: missense variant.
Genome position (GRCh38, 1-based): chr11:6,628,728, T>C on the plus strand (A>G on the coding strand, the complement: DCHS1 is on the minus strand). VCF-style: chr11-6628728-T-C. GRCh37 (hg19) VCF-style: chr11-6649959-T-C.
Other names: short protein forms H1755R.
Identifiers: ClinVar variation 1310985 (VCV001310985.3), dbSNP rs1293027083, ClinGen allele CA379396525.